The following is an entry in ClinVar:

ClinVar aggregate classification (germline): Uncertain significance (1 of 4 stars; one submission).

Allele frequency attached by ClinVar (database versions not stated): ExAC 0.00001; gnomAD 0.00001; gnomAD exomes 0.00002 and 0.00003; TOPMed 0.00002.
gnomAD v4.1: 24 of 1,613,740 alleles (0.0015%); highest among the groups gnomAD compares: East Asian, 0.016%; no homozygotes.

Submission:

Labcorp Genetics (formerly Invitae), Labcorp
Classification: Uncertain significance. Last evaluated: 2024-03-04. Review status: criteria provided, single submitter. Criteria: Invitae Variant Classification Sherloc (09022015). Collection method: clinical testing. Allele origin: germline.
Comment: This sequence change replaces threonine, which is neutral and polar, with methionine, which is neutral and non-polar, at codon 931 of the WHSC1 protein (p.Thr931Met). This variant is present in population databases (rs767627490, gnomAD 0.01%). This missense change has been observed in individual(s) with neurodevelopmental disorders (PMID: 33004838). ClinVar contains an entry for this variant (Variation ID: 1680201). Advanced modeling of protein sequence and biophysical properties (such as structural, functional, and spatial information, amino acid conservation, physicochemical variation, residue mobility, and thermodynamic stability) performed at Invitae indicates that this missense variant is not expected to disrupt WHSC1 protein function with a negative predictive value of 80%. In summary, the available evidence is currently insufficient to determine the role of this variant in disease. Therefore, it has been classified as a Variant of Uncertain Significance.

Literature cited by the submitters: PubMed 33004838.

NM_001042424.3(NSD2):c.2792C>T (p.Thr931Met)

Gene: NSD2 (nuclear receptor binding SET domain protein 2; plus strand). Cytogenetic location: 4p16.3.
Variant type: single nucleotide variant.
Coding change: c.2792C>T on transcript NM_001042424.3 (MANE Select); coding-DNA position 2792, C replaced by T.
Protein change: p.Thr931Met; replaces threonine 931 with methionine.
Molecular consequence: missense variant.
Genome position (GRCh38, 1-based): chr4:1,956,099, C>T. VCF-style: chr4-1956099-C-T. GRCh37 (hg19) VCF-style: chr4-1957826-C-T.
Other names: c.2792C>T, p.Thr931Met (NM_133330.3, NM_133331.3, NM_133335.4); short protein forms T931M.
Identifiers: ClinVar variation 1680201 (VCV001680201.8), dbSNP rs767627490, ClinGen allele CA2812544.
Genomic context (GRCh38, chr4:1,956,099, plus strand): 5'-TGAAGCACGAGATTGGAGAATTCCCTGTGTTTTTCTTTGGGTCTAAAGATTATTACTGGA[C>T]GCATCAGGCGCGAGTGTTCCCGTACATGGAGGGGGACCGGGGCAGCCGCTACCAGGGGGT-3'
Protein context (NP_001035889.1, residues 921-941): FFFGSKDYYW[Thr931Met]HQARVFPYME